The following is an entry in ClinVar:

ClinVar aggregate classification (germline): Pathogenic (1 of 4 stars; one submission).

Submission:

Labcorp Genetics (formerly Invitae), Labcorp
Classification: Pathogenic. Last evaluated: 2021-02-08. Review status: criteria provided, single submitter. Criteria: Invitae Variant Classification Sherloc (09022015). Collection method: clinical testing. Allele origin: germline.
Comment: This sequence change creates a premature translational stop signal (p.Phe40Leufs*56) in the TNFAIP3 gene. It is expected to result in an absent or disrupted protein product. Loss-of-function variants in TNFAIP3 are known to be pathogenic (PMID: 26642243). This variant is not present in population databases (ExAC no frequency). For these reasons, this variant has been classified as Pathogenic. This variant has not been reported in the literature in individuals with TNFAIP3-related conditions.

Literature cited by the submitters: PubMed 26642243.

NM_001270508.2(TNFAIP3):c.120del (p.Phe40fs)

Gene: TNFAIP3 (TNF alpha induced protein 3; plus strand). Cytogenetic location: 6q23.3.
Variant type: Deletion.
Coding change: c.120del on transcript NM_001270508.2 (MANE Select); coding-DNA position 120, one base deleted (T; older notation c.120delT).
Protein change: p.Phe40fs; shifts the reading frame from phenylalanine 40.
Molecular consequence: frameshift variant.
Genome position (GRCh38, 1-based): chr6:137,871,347, T deleted; the last of 4 consecutive T bases (chr6:137,871,344-137,871,347); deleting any one gives the same sequence. VCF-style (leftmost placement, unchanged base first): chr6-137871343-AT-A. GRCh37 (hg19) VCF-style: chr6-138192480-AT-A.
Other names: c.120del, p.Phe40fs (NM_001270507.2, NM_006290.4); short protein forms F40fs.
Identifiers: ClinVar variation 1453756 (VCV001453756.6), dbSNP rs2114458929, ClinGen allele CA2573140550.